The following is an entry in ClinVar:

NM_012123.4(MTO1):c.458G>A (p.Gly153Glu)

Gene: MTO1 (mitochondrial tRNA translation optimization 1; plus strand). Cytogenetic location: 6q13.
Variant type: single nucleotide variant.
Coding change: c.458G>A on transcript NM_012123.4 (MANE Select); coding-DNA position 458, G replaced by A.
Protein change: p.Gly153Glu; replaces glycine 153 with glutamic acid.
Molecular consequence: missense variant.
Genome position (GRCh38, 1-based): chr6:73,466,529, G>A. VCF-style: chr6-73466529-G-A. GRCh37 (hg19) VCF-style: chr6-74176252-G-A.
Other names: c.458G>A, p.Gly153Glu (NM_001123226.2, NM_133645.3); short protein forms G153E.
Identifiers: ClinVar variation 2165435 (VCV002165435.2), dbSNP rs769598652, ClinGen allele CA3889355.

ClinVar aggregate classification (germline): Uncertain significance (1 of 4 stars; one submission).

Conditions:
Mitochondrial hypertrophic cardiomyopathy with lactic acidosis due to MTO1 deficiency. Also called: CARDIOMYOPATHY, INFANTILE HYPERTROPHIC MITOCHONDRIAL, AND LACTIC ACIDOSIS; Combined oxidative phosphorylation deficiency 10. Identifiers: Orphanet 314637, MedGen C4749921, MONDO:0013865, OMIM 614702.

Allele frequency attached by ClinVar (database versions not stated): gnomAD 0.00001; gnomAD exomes 0.00001; TOPMed 0.00001; ExAC 0.00002.
gnomAD v4.1: 11 of 1,614,064 alleles (0.00068%); highest among the groups gnomAD compares: South Asian, 0.0088%; no homozygotes.

Submission:

Labcorp Genetics (formerly Invitae), Labcorp
Classification: Uncertain significance for Mitochondrial hypertrophic cardiomyopathy with lactic acidosis due to MTO1 deficiency. Last evaluated: 2022-01-21. Review status: criteria provided, single submitter. Criteria: Invitae Variant Classification Sherloc (09022015). Collection method: clinical testing. Allele origin: germline.
Comment: This variant has not been reported in the literature in individuals affected with MTO1-related conditions. This variant is present in population databases (rs769598652, gnomAD 0.01%). This sequence change replaces glycine, which is neutral and non-polar, with glutamic acid, which is acidic and polar, at codon 153 of the MTO1 protein (p.Gly153Glu). In summary, the available evidence is currently insufficient to determine the role of this variant in disease. Therefore, it has been classified as a Variant of Uncertain Significance. Algorithms developed to predict the effect of missense changes on protein structure and function are either unavailable or do not agree on the potential impact of this missense change (SIFT: "Deleterious"; PolyPhen-2: "Possibly Damaging"; Align-GVGD: "Class C0").